The following is an entry in ClinVar:

NM_001099415.3(POM121C):c.740C>G (p.Pro247Arg)

Gene: POM121C (POM121 transmembrane nucleoporin C; minus strand). Cytogenetic location: 7q11.23.
Variant type: single nucleotide variant.
Coding change: c.740C>G on transcript NM_001099415.3 (MANE Select); coding-DNA position 740, C replaced by G.
Protein change: p.Pro247Arg; replaces proline 247 with arginine.
Molecular consequence: missense variant.
Genome position (GRCh38, 1-based): chr7:75,425,102, G>C on the plus strand (C>G on the coding strand, the complement: POM121C is on the minus strand). VCF-style: chr7-75425102-G-C. GRCh37 (hg19) VCF-style: chr7-75054385-G-C.
Other names: short protein forms P247R.
Identifiers: ClinVar variation 3308873 (VCV003308873.2).

ClinVar aggregate classification (germline): Uncertain significance (1 of 4 stars; one submission).

Submission:

Ambry Genetics
Classification: Uncertain significance. Last evaluated: 2026-04-27. Review status: criteria provided, single submitter. Criteria: Ambry Variant Classification Scheme 2023. Collection method: clinical testing. Allele origin: germline.
Comment: The c.740C>G (p.P247R) alteration is located in exon 10 (coding exon 7) of the POM121C gene. This alteration results from a C to G substitution at nucleotide position 740, causing the proline (P) at amino acid position 247 to be replaced by an arginine (R). Based on data from gnomAD, the G allele has an overall frequency of 0.023% (31/136032) total alleles studied. The highest observed frequency was 0.048% (29/60654) of European (non-Finnish) alleles. Based on insufficient or conflicting evidence, the clinical significance of this alteration remains unclear.